The following is an entry in ClinVar:

NM_000548.5(TSC2):c.3368G>A (p.Gly1123Glu)

Gene: TSC2 (TSC complex subunit 2; plus strand). Cytogenetic location: 16p13.3.
Variant type: single nucleotide variant.
Coding change: c.3368G>A on transcript NM_000548.5 (MANE Select); coding-DNA position 3368, G replaced by A.
Protein change: p.Gly1123Glu; replaces glycine 1123 with glutamic acid.
Molecular consequence: missense variant.
Genome position (GRCh38, 1-based): chr16:2,079,640, G>A. VCF-style: chr16-2079640-G-A. GRCh37 (hg19) VCF-style: chr16-2129641-G-A.
Other names: c.3236G>A, p.Gly1079Glu (NM_001077183.3, NM_001370404.1); c.3368G>A, p.Gly1123Glu (NM_001114382.3); c.3128G>A, p.Gly1043Glu (NM_001318827.2); c.3092G>A, p.Gly1031Glu (NM_001318829.2); c.2636G>A, p.Gly879Glu (NM_001318831.2); c.3269G>A, p.Gly1090Glu (NM_001318832.2); c.3239G>A, p.Gly1080Glu (NM_001363528.2, NM_001370405.1, NM_021055.3); short protein forms G1123E, G1079E, G1043E, G1031E, G1090E, G1080E, G879E.
Identifiers: ClinVar variation 406114 (VCV000406114.10), dbSNP rs1060500968, ClinGen allele CA16614770.

ClinVar aggregate classification (germline): Conflicting classifications of pathogenicity. Review status: criteria provided, conflicting classifications (1 of 4 stars). 2 submissions from 2 submitters: Uncertain significance (1); Benign (1). Last evaluated 2025-11-10.

Conditions:
Hereditary cancer-predisposing syndrome. Also called: Tumor predisposition; Neoplastic Syndromes, Hereditary; Hereditary Cancer Syndrome; Hereditary neoplastic syndrome. Identifiers: Orphanet 140162, MedGen C0027672, MeSH D009386, MONDO:0015356.
Tuberous sclerosis 2 (TSC2). Identifiers: Orphanet 805, MedGen C1860707, MONDO:0013199, OMIM 613254.

Allele frequency attached by ClinVar (database versions not stated): gnomAD exomes below 0.00001; gnomAD 0.00001; TOPMed 0.00001.
gnomAD v4.1: 3 of 1,606,654 alleles (0.00019%); highest among the groups gnomAD compares: African/African-American, 0.0027%; no homozygotes.

Submissions (2):

Labcorp Genetics (formerly Invitae), Labcorp
Classification: Benign for Tuberous sclerosis 2. Last evaluated: 2025-11-10. Review status: criteria provided, single submitter. Criteria: Invitae Variant Classification Sherloc (09022015). Collection method: clinical testing. Allele origin: germline.

Ambry Genetics
Classification: Uncertain significance for Hereditary cancer-predisposing syndrome. Last evaluated: 2024-08-19. Review status: criteria provided, single submitter. Criteria: Ambry Variant Classification Scheme 2023. Collection method: clinical testing. Allele origin: germline.
Comment: The p.G1123E variant (also known as c.3368G>A), located in coding exon 28 of the TSC2 gene, results from a G to A substitution at nucleotide position 3368. The glycine at codon 1123 is replaced by glutamic acid, an amino acid with similar properties. This amino acid position is not well conserved in available vertebrate species. In addition, the in silico prediction for this alteration is inconclusive. Based on the available evidence, the clinical significance of this variant remains unclear.